The following is an entry in ClinVar:

NM_002739.5(PRKCG):c.191T>C (p.Leu64Pro)

Gene: PRKCG (protein kinase C gamma; plus strand). Cytogenetic location: 19q13.42.
Variant type: single nucleotide variant.
Coding change: c.191T>C on transcript NM_002739.5 (MANE Select); coding-DNA position 191, T replaced by C.
Protein change: p.Leu64Pro; replaces leucine 64 with proline.
Molecular consequence: missense variant.
Genome position (GRCh38, 1-based): chr19:53,883,183, T>C. VCF-style: chr19-53883183-T-C. GRCh37 (hg19) VCF-style: chr19-54386437-T-C.
Other names: c.191T>C, p.Leu64Pro (NM_001316329.2); short protein forms L64P.
Identifiers: ClinVar variation 3365895 (VCV003365895.2).

ClinVar aggregate classification (germline): Uncertain significance (1 of 4 stars; one submission).

Submission:

GeneDx
Classification: Uncertain significance. Last evaluated: 2025-04-07. Review status: criteria provided, single submitter. Criteria: GeneDx Variant Classification Process June 2021. Collection method: clinical testing. Allele origin: germline.
Comment: Not observed at significant frequency in large population cohorts (gnomAD); In silico analysis supports that this missense variant has a deleterious effect on protein structure/function; Has not been previously published as pathogenic or benign to our knowledge